The following is an entry in ClinVar:

ClinVar aggregate classification (germline): Uncertain significance (1 of 4 stars; one submission).

gnomAD v4.1: 1 of 1,592,874 alleles (0.000063%); highest among the groups gnomAD compares: Non-Finnish European, 0.000085%; no homozygotes.

Submission:

GeneDx
Classification: Uncertain significance. Last evaluated: 2024-09-04. Review status: criteria provided, single submitter. Criteria: GeneDx Variant Classification Process June 2021. Collection method: clinical testing. Allele origin: germline. Affected: yes.
Comment: Not observed at significant frequency in large population cohorts (gnomAD); In silico analysis indicates that this missense variant does not alter protein structure/function; Has not been previously published as pathogenic or benign to our knowledge

NM_003482.4(KMT2D):c.11365C>G (p.Gln3789Glu)

Gene: KMT2D (lysine methyltransferase 2D; minus strand). Cytogenetic location: 12q13.12.
Variant type: single nucleotide variant.
Coding change: c.11365C>G on transcript NM_003482.4 (MANE Select); coding-DNA position 11365, C replaced by G.
Protein change: p.Gln3789Glu; replaces glutamine 3789 with glutamic acid.
Molecular consequence: missense variant.
Genome position (GRCh38, 1-based): chr12:49,033,340, G>C on the plus strand (C>G on the coding strand, the complement: KMT2D is on the minus strand). VCF-style: chr12-49033340-G-C. GRCh37 (hg19) VCF-style: chr12-49427123-G-C.
Other names: short protein forms Q3789E.
Identifiers: ClinVar variation 3767391 (VCV003767391.1).
Genomic context (GRCh38, chr12:49,033,340, plus strand): 5'-CAGCCACCTGGGCAGGGCCCAGCATGCCCTGGGGCCCCTGGGGTGGTTGAGGGGACAGCT[G>C]CTGGACCAGGAGGCCTTGGTGGCTGCTGGGAGGCATAAGGCCCTGGGGCTTGGGACCCAG-3'
Protein context (NP_003473.3, residues 3779-3799): PSSHQGLLVQ[Gln3789Glu]LSPQPPQGPQ